The following is an entry in ClinVar:

ClinVar aggregate classification (germline): Uncertain significance. Review status: criteria provided, multiple submitters, no conflicts (2 of 4 stars). 2 submissions from 2 submitters: Uncertain significance (2). Last evaluated 2024-04-18.

Conditions:
Cardiovascular phenotype. Identifiers: MedGen CN230736.
Familial hypobetalipoproteinemia 1. Also called: APOB-Related Familial Hypobetalipoproteinemia; Hypobetalipoproteinemia, normotriglyceridemic; Acanthocytosis with hypobetalipoproteinemia. Identifiers: MedGen C4551990, MONDO:0014252, OMIM 615558.
Hypercholesterolemia, autosomal dominant, type B (FHCL2). Also called: Familial Hypercholesterolemia Type B; APOLIPOPROTEIN B-100, FAMILIAL DEFECTIVE; APOLIPOPROTEIN B-100, FAMILIAL LIGAND-DEFECTIVE; HYPERCHOLESTEROLEMIA, FAMILIAL, DUE TO LIGAND-DEFECTIVE APOLIPOPROTEIN B; Hyperlipoproteinemia Type IIb; Familial hypercholesterolemia 2. Identifiers: MedGen C1704417, MONDO:0007751, OMIM 144010.

Submissions (2):

Ambry Genetics
Classification: Uncertain significance for Cardiovascular phenotype. Last evaluated: 2024-04-18. Review status: criteria provided, single submitter. Criteria: Ambry Variant Classification Scheme 2023. Collection method: clinical testing. Allele origin: germline.
Comment: The p.Q384H variant (also known as c.1152G>C), located in coding exon 10 of the APOB gene, results from a G to C substitution at nucleotide position 1152. The glutamine at codon 384 is replaced by histidine, an amino acid with highly similar properties. This amino acid position is conserved. In addition, the in silico prediction for this alteration is inconclusive. Based on the available evidence, the clinical significance of this variant remains unclear.

Labcorp Genetics (formerly Invitae), Labcorp
Classification: Uncertain significance for Familial hypobetalipoproteinemia 1; Hypercholesterolemia, autosomal dominant, type B. Last evaluated: 2023-05-25. Review status: criteria provided, single submitter. Criteria: Invitae Variant Classification Sherloc (09022015). Collection method: clinical testing. Allele origin: germline.
Comment: In summary, the available evidence is currently insufficient to determine the role of this variant in disease. Therefore, it has been classified as a Variant of Uncertain Significance. Advanced modeling of protein sequence and biophysical properties (such as structural, functional, and spatial information, amino acid conservation, physicochemical variation, residue mobility, and thermodynamic stability) performed at Invitae indicates that this missense variant is not expected to disrupt APOB protein function. This variant has not been reported in the literature in individuals affected with APOB-related conditions. This variant is not present in population databases (gnomAD no frequency). This sequence change replaces glutamine, which is neutral and polar, with histidine, which is basic and polar, at codon 384 of the APOB protein (p.Gln384His).

NM_000384.3(APOB):c.1152G>C (p.Gln384His)

Gene: APOB (apolipoprotein B; minus strand). Cytogenetic location: 2p24.1.
Variant type: single nucleotide variant.
Coding change: c.1152G>C on transcript NM_000384.3 (MANE Select); coding-DNA position 1152, G replaced by C.
Protein change: p.Gln384His; replaces glutamine 384 with histidine.
Molecular consequence: missense variant.
Genome position (GRCh38, 1-based): chr2:21,032,554, C>G on the plus strand (G>C on the coding strand, the complement: APOB is on the minus strand). VCF-style: chr2-21032554-C-G. GRCh37 (hg19) VCF-style: chr2-21255426-C-G.
Other names: c.1152G>C (NM_000384.2); short protein forms Q384H.
Identifiers: ClinVar variation 2938527 (VCV002938527.4), dbSNP rs1470238324, ClinGen allele CA345958448.
Genomic context (GRCh38, chr2:21,032,554, plus strand): 5'-GTTGGCATGCACACGTTTCAGCCACTGGAGGATGTGAGTGGAGCACTGAGGCTGTCCACA[C>G]TGAACCAAGGCTTGTAAAGTGATGGGGCTGAGAAGAAAGACATGGATAAAGTTATACAGA-3'
Protein context (NP_000375.3, residues 374-394): SSPITLQALV[Gln384His]CGQPQCSTHI